The following is an entry in ClinVar:

NM_001127649.3(PEX26):c.200A>G (p.Asn67Ser)

Gene: PEX26 (peroxisomal biogenesis factor 26; plus strand). Cytogenetic location: 22q11.21.
Variant type: single nucleotide variant.
Coding change: c.200A>G on transcript NM_001127649.3 (MANE Select); coding-DNA position 200, A replaced by G.
Protein change: p.Asn67Ser; replaces asparagine 67 with serine.
Molecular consequence: missense variant.
Genome position (GRCh38, 1-based): chr22:18,078,576, A>G. VCF-style: chr22-18078576-A-G. GRCh37 (hg19) VCF-style: chr22-18561342-A-G.
Other names: p.Asn67Ser; c.200A>G, p.Asn67Ser (NM_001199319.2, NM_017929.6); short protein forms N67S.
Identifiers: ClinVar variation 288461 (VCV000288461.49), dbSNP rs201884779, ClinGen allele CA10093243.
Genomic context (GRCh38, chr22:18,078,576, plus strand): 5'-TGCACCTGGACTTCCGGGCGGCGCTGGAGACCTGCGAGCGGGCCTGGCAGAGTCTGGCCA[A>G]CCACGCCGTGGCAGAGGAACCCGCGGGCACGTACGTGCTGGGCTCGGAAATGAACCGATT-3'
Protein context (NP_001121121.1, residues 57-77): TCERAWQSLA[Asn67Ser]HAVAEEPAGT

ClinVar aggregate classification (germline): Conflicting classifications of pathogenicity. Review status: criteria provided, conflicting classifications (1 of 4 stars). 9 submissions from 9 submitters: Uncertain significance (4); Likely benign (4). 1 of the submissions does not count toward it. Last evaluated 2026-02-02.

Conditions:
PEX26-related disorder. Also called: PEX26-related condition.
Peroxisome biogenesis disorder 7A (Zellweger). Also called: Peroxisome biogenesis disorder 7A. Identifiers: Orphanet 912, MedGen C3888385, MONDO:0013938, OMIM 614872.
Peroxisome biogenesis disorder 7B (PBD7B). Identifiers: Orphanet 44, MedGen C3553951, MONDO:0013939, OMIM 614873.

Allele frequency attached by ClinVar (database versions not stated): 1000 Genomes Project 30x 0.00047; 1000 Genomes Project 0.00060; ESP Exome Variant Server 0.00106; gnomAD exomes 0.00136 and 0.00281; gnomAD 0.00177 and 0.00179; TOPMed 0.00180; ExAC 0.00210.
gnomAD v4.1: 4,269 of 1,599,366 alleles (0.27%); highest among the groups gnomAD compares: Non-Finnish European, 0.34%; 8 homozygotes.

Submissions (9):

Labcorp Genetics (formerly Invitae), Labcorp
Classification: Likely benign for Peroxisome biogenesis disorder 7A (Zellweger); Peroxisome biogenesis disorder 7B. Last evaluated: 2026-02-02. Review status: criteria provided, single submitter. Criteria: Invitae Variant Classification Sherloc (09022015). Collection method: clinical testing. Allele origin: germline.

Mayo Clinic Laboratories, Mayo Clinic
Classification: Likely benign. Last evaluated: 2025-07-23. Review status: criteria provided, single submitter. Criteria: ACMG Guidelines, 2015. Collection method: clinical testing. Allele origin: germline. Observed: 2 variant alleles.
Comment: BS1, BP4_moderate

CeGaT Center for Human Genetics Tuebingen
Classification: Likely benign. Last evaluated: 2025-03-01. Review status: criteria provided, single submitter. Criteria: CeGaT Center For Human Genetics Tuebingen Variant Classification Criteria Version 2. Collection method: clinical testing. Allele origin: germline. Affected: yes. Observed: 3 variant alleles.
Comment: PEX26: BP4

Blueprint Genetics
Classification: Likely benign. Last evaluated: 2024-11-28. Review status: criteria provided, single submitter. Criteria: ACMG Guidelines, 2015. Collection method: clinical testing. Allele origin: germline.

Fulgent Genetics
Classification: Uncertain significance for Peroxisome biogenesis disorder 7A (Zellweger); Peroxisome biogenesis disorder 7B. Last evaluated: 2018-10-31. Review status: criteria provided, single submitter. Criteria: ACMG Guidelines, 2015. Collection method: clinical testing. Allele origin: unknown.

Illumina Laboratory Services, Illumina
Classification: Uncertain significance for Peroxisome biogenesis disorder 7A (Zellweger). Last evaluated: 2018-01-13. Review status: criteria provided, single submitter. Criteria: ICSL Variant Classification Criteria 13 December 2019. Collection method: clinical testing. Allele origin: germline.

Eurofins Ntd Llc (ga)
Classification: Uncertain significance. Last evaluated: 2017-09-15. Review status: criteria provided, single submitter. Criteria: EGL Classification Definitions 2015. Collection method: clinical testing. Allele origin: germline. Observed: 10 variant alleles, 10 heterozygotes.

GeneDx
Classification: Uncertain significance. Last evaluated: 2017-05-25. Review status: criteria provided, single submitter. Criteria: GeneDx Variant Classification (06012015). Collection method: clinical testing. Allele origin: germline. Affected: yes.
Comment: The N67S variant in the PEX26 gene has not been reported previously as a pathogenic variant, nor as a benign variant, to our knowledge. This variant is observed in 75/25,018 alleles (0.3%) from individuals of non-Finnish European background in the ExAC dataset, with no homozygous control individuals reported (Lek et al., 2016). The N67S variant is a conservative amino acid substitution, which is not likely to impact secondary protein structure as these residues share similar properties. Additionally, this substitution occurs at a position that is not conserved across species, and in silico analysis predicts this variant likely does not alter the protein structure/function. As there is not enough information currently available to determine if this variant is pathogenic or benign, we interpret N67S as a variant of uncertain significance.

PreventionGenetics, part of Exact Sciences
Classification: Likely benign for PEX26-related condition. Last evaluated: 2022-02-04. Review status: no assertion criteria provided. Collection method: clinical testing. Allele origin: germline. Not counted in ClinVar's aggregate classification.
Comment: This variant is classified as likely benign based on ACMG/AMP sequence variant interpretation guidelines (Richards et al. 2015 PMID: 25741868, with internal and published modifications).

Literature cited by the submitters: PubMed 30979466 (cited by Mayo Clinic Laboratories, Mayo Clinic); PubMed 38323187 (cited by Mayo Clinic Laboratories, Mayo Clinic); PubMed 40273470 (cited by Mayo Clinic Laboratories, Mayo Clinic).